The following is an entry in ClinVar:

ClinVar aggregate classification (germline): Uncertain significance (1 of 4 stars; one submission).

Conditions:
Cardiomyopathy (CMYO). Also called: Cardiomyopathies. Identifiers: Orphanet 167848, MedGen C0878544, MONDO:0004994, HP:0001638. Inheritance: Various modes of inheritance.

Allele frequency attached by ClinVar (database versions not stated): ExAC 0.00001; gnomAD exomes 0.00001; gnomAD 0.00002; TOPMed 0.00002.

Submission:

Color Diagnostics, LLC DBA Color Health
Classification: Uncertain significance for Cardiomyopathy. Last evaluated: 2023-04-25. Review status: criteria provided, single submitter. Criteria: ACMG Guidelines, 2015. Collection method: clinical testing. Allele origin: germline.
Comment: This variant is located in the 3' untranslated region of the MYL3 gene. To our knowledge, functional studies have not been reported for this variant. This variant has not been reported in individuals affected with MYL3-related disorders in the literature. This variant has been identified in 3/251446 chromosomes in the general population by the Genome Aggregation Database (gnomAD). The available evidence is insufficient to determine the role of this variant in disease conclusively. Therefore, this variant is classified as a Variant of Uncertain Significance.

NM_000258.3(MYL3):c.*6G>A

Gene: MYL3 (myosin light chain 3; minus strand). Cytogenetic location: 3p21.31.
Variant type: single nucleotide variant.
Coding change: c.*6G>A on transcript NM_000258.3 (MANE Select); 6 bases downstream of the stop codon, G replaced by A.
Molecular consequence: 3 prime UTR variant.
Genome position (GRCh38, 1-based): chr3:46,858,238, C>T on the plus strand (G>A on the coding strand, the complement: MYL3 is on the minus strand). VCF-style: chr3-46858238-C-T. GRCh37 (hg19) VCF-style: chr3-46899728-C-T.
Identifiers: ClinVar variation 925813 (VCV000925813.5), dbSNP rs754568155, ClinGen allele CA045096.